The following is an entry in ClinVar:

NM_015272.5(RPGRIP1L):c.144G>C (p.Glu48Asp)

Gene: RPGRIP1L (RPGRIP1 like; minus strand). Cytogenetic location: 16q12.2.
Variant type: single nucleotide variant.
Coding change: c.144G>C on transcript NM_015272.5 (MANE Select); coding-DNA position 144, G replaced by C.
Protein change: p.Glu48Asp; replaces glutamic acid 48 with aspartic acid.
Molecular consequence: missense variant.
Genome position (GRCh38, 1-based): chr16:53,696,237, C>G on the plus strand (G>C on the coding strand, the complement: RPGRIP1L is on the minus strand). VCF-style: chr16-53696237-C-G. GRCh37 (hg19) VCF-style: chr16-53730149-C-G.
Other names: c.144G>C, p.Glu48Asp (NM_001127897.4, NM_001308334.3, NM_001328422.2 and 2 more transcripts); c.144G>C (NM_015272.4, NM_015272.2); short protein forms E48D.
Identifiers: ClinVar variation 992048 (VCV000992048.13), dbSNP rs377512064, ClinGen allele CA8058202.
Genomic context (GRCh38, chr16:53,696,237, plus strand): 5'-GGCATGCTGTTTAAGTAAAATGTTCTCATCATGCAAACGCAAAAATCTGTCTTCCAGTTC[C>G]TCACGACTGACACGTGACACTGCCTGGCGAGACTTCATTGTCCGTGTTGTTGAAGTTTCT-3'
Protein context (NP_056087.2, residues 38-58): SRQAVSRVSR[Glu48Asp]ELEDRFLRLH

ClinVar aggregate classification (germline): Uncertain significance. Review status: criteria provided, multiple submitters, no conflicts (2 of 4 stars). 6 submissions from 6 submitters: Uncertain significance (4). 2 of the submissions do not count toward it. Last evaluated 2025-03-22.

Conditions:
Joubert syndrome. Also called: JOUBERT-BOLTSHAUSER SYNDROME; Familial aplasia of the vermis. Identifiers: Orphanet 475, MedGen C5979921, MONDO:0018772.
Inborn genetic diseases. Identifiers: MedGen C0950123, MeSH D030342.
COACH syndrome 3. Identifiers: MedGen C5436841, MONDO:0030862, OMIM 619113.
Meckel syndrome, type 5 (MKS5). Identifiers: Orphanet 564, MedGen C1969052, MONDO:0012695, OMIM 611561.
Joubert syndrome 7 (JBTS7). Identifiers: Orphanet 220497, MedGen C1969053, MONDO:0012694, OMIM 611560.
RPGRIP1L-related disorder. Also called: RPGRIP1L-related disorders; RPGRIP1L-related condition. Identifiers: MedGen CN239416.
Meckel-Gruber syndrome. Also called: DYSENCEPHALIA SPLANCHNOCYSTICA; GRUBER SYNDROME; Dysencephalia splachnocystica. Identifiers: Orphanet 564, MedGen C0265215, MONDO:0018921.

Allele frequency attached by ClinVar (database versions not stated): gnomAD 0.00001; TOPMed 0.00002; ExAC 0.00004; gnomAD exomes 0.00004; ESP Exome Variant Server 0.00008.
gnomAD v4.1: 50 of 1,613,922 alleles (0.0031%); highest among the groups gnomAD compares: Non-Finnish European, 0.004%; no homozygotes.

Submissions (6):

Ambry Genetics
Classification: Uncertain significance for Inborn genetic diseases. Last evaluated: 2025-03-22. Review status: criteria provided, single submitter. Criteria: Ambry Variant Classification Scheme 2023. Collection method: clinical testing. Allele origin: germline.

Blueprint Genetics
Classification: Uncertain significance. Last evaluated: 2024-08-28. Review status: criteria provided, single submitter. Criteria: ACMG Guidelines, 2015. Collection method: clinical testing. Allele origin: germline.

Fulgent Genetics
Classification: Uncertain significance for Joubert syndrome 7; Meckel syndrome, type 5; COACH syndrome 3. Last evaluated: 2024-05-17. Review status: criteria provided, single submitter. Criteria: ACMG Guidelines, 2015. Collection method: clinical testing. Allele origin: germline.

Labcorp Genetics (formerly Invitae), Labcorp
Classification: Uncertain significance for Joubert syndrome; Meckel-Gruber syndrome. Last evaluated: 2022-01-06. Review status: criteria provided, single submitter. Criteria: Invitae Variant Classification Sherloc (09022015). Collection method: clinical testing. Allele origin: germline.
Comment: This sequence change replaces glutamic acid, which is acidic and polar, with aspartic acid, which is acidic and polar, at codon 48 of the RPGRIP1L protein (p.Glu48Asp). This variant is present in population databases (rs377512064, gnomAD 0.008%). This variant has not been reported in the literature in individuals affected with RPGRIP1L-related conditions. ClinVar contains an entry for this variant (Variation ID: 992048). Algorithms developed to predict the effect of missense changes on protein structure and function (SIFT, PolyPhen-2, Align-GVGD) all suggest that this variant is likely to be tolerated. In summary, the available evidence is currently insufficient to determine the role of this variant in disease. Therefore, it has been classified as a Variant of Uncertain Significance.

PreventionGenetics, part of Exact Sciences
Classification: Uncertain significance for RPGRIP1L-related condition. Last evaluated: 2023-12-30. Review status: no assertion criteria provided. Collection method: clinical testing. Allele origin: germline. Not counted in ClinVar's aggregate classification.
Comment: The RPGRIP1L c.144G>C variant is predicted to result in the amino acid substitution p.Glu48Asp. To our knowledge, this variant has not been reported in the literature. This variant is reported in 0.0079% of alleles in individuals of European (Non-Finnish) descent in gnomAD. At this time, the clinical significance of this variant is uncertain due to the absence of conclusive functional and genetic evidence.

Natera, Inc.
Classification: Uncertain significance for Joubert syndrome. Last evaluated: 2020-08-19. Review status: no assertion criteria provided. Collection method: clinical testing. Allele origin: germline. Not counted in ClinVar's aggregate classification.